The following is an entry in ClinVar:

NM_000493.4(COL10A1):c.1498C>T (p.His500Tyr)

Genes: COL10A1 (collagen type X alpha 1 chain; minus strand), NT5DC1 (5'-nucleotidase domain containing 1; plus strand). Cytogenetic location: 6q22.1.
Variant type: single nucleotide variant.
Coding change: c.1498C>T on transcript NM_000493.4 (MANE Select); coding-DNA position 1498, C replaced by T.
Protein change: p.His500Tyr; replaces histidine 500 with tyrosine.
Molecular consequence: missense variant. On other transcripts: intron variant (1).
Genome position (GRCh38, 1-based): chr6:116,120,618, G>A on the plus strand (C>T on the coding strand, the complement: COL10A1 is on the minus strand). VCF-style: chr6-116120618-G-A. GRCh37 (hg19) VCF-style: chr6-116441781-G-A.
Other names: c.1498C>T, p.His500Tyr (NM_001424106.1, NM_001424107.1); c.529+2673G>A (NM_152729.3); short protein forms H500Y.
Identifiers: ClinVar variation 2970086 (VCV002970086.3), dbSNP rs746528306, ClinGen allele CA3968161.

ClinVar aggregate classification (germline): Uncertain significance (1 of 4 stars; one submission).

Allele frequency attached by ClinVar (database versions not stated): ExAC 0.00002.

Submission:

Labcorp Genetics (formerly Invitae), Labcorp
Classification: Uncertain significance. Last evaluated: 2023-10-29. Review status: criteria provided, single submitter. Criteria: Invitae Variant Classification Sherloc (09022015). Collection method: clinical testing. Allele origin: germline.
Comment: This sequence change replaces histidine, which is basic and polar, with tyrosine, which is neutral and polar, at codon 500 of the COL10A1 protein (p.His500Tyr). This variant is present in population databases (rs746528306, gnomAD 0.002%). This variant has not been reported in the literature in individuals affected with COL10A1-related conditions. Algorithms developed to predict the effect of missense changes on protein structure and function output the following: SIFT: "Not Available"; PolyPhen-2: "Not Available"; Align-GVGD: "Not Available". The tyrosine amino acid residue is found in multiple mammalian species, which suggests that this missense change does not adversely affect protein function. In summary, the available evidence is currently insufficient to determine the role of this variant in disease. Therefore, it has been classified as a Variant of Uncertain Significance.